The following is an entry in ClinVar:

ClinVar aggregate classification (germline): Pathogenic (1 of 4 stars; one submission).

Conditions:
Peroxisome biogenesis disorder. Identifiers: Orphanet 79189, MedGen C1832200, MONDO:0019234. Disease mechanism: loss of function.

Submission:

Myriad Genetics, Inc.
Classification: Pathogenic for Peroxisome biogenesis disorder. Last evaluated: 2024-07-09. Review status: criteria provided, single submitter. Criteria: Myriad Autosomal Dominant, Autosomal Recessive and X-Linked Classification Criteria (2023). Collection method: clinical testing. Allele origin: unknown.
Comment: NM_000466.2(PEX1):c.894_895dupTA(N299Ifs*27) is expected to be pathogenic in the context of peroxisome biogenesis disorder type 1. This variant is predicted to lead to an abnormal or absent protein product due to the creation of a premature termination codon in PEX1, a gene where loss-of-function variants are known to be pathogenic. Please note: this variant was assessed in the context of healthy population screening.

NM_000466.3(PEX1):c.894_895dup (p.Asn299fs)

Gene: PEX1 (peroxisomal biogenesis factor 1; minus strand). Cytogenetic location: 7q21.2.
Variant type: Microsatellite.
Coding change: c.894_895dup on transcript NM_000466.3 (MANE Select); coding-DNA positions 894 to 895, 2 bases duplicated (TA; older notation c.894_895dupTA).
Protein change: p.Asn299fs; shifts the reading frame from asparagine 299.
Molecular consequence: frameshift variant.
Genome position (GRCh38, 1-based): chr7:92,517,620-92,517,621, TA duplicated on the plus strand (TA on the coding strand, the reverse complement: PEX1 is on the minus strand); duplicating any 2 consecutive bases within chr7:92,517,620-92,517,627 gives the same sequence; the c. name uses the placement nearest the transcript's 3' end. VCF-style (leftmost placement, unchanged base first): chr7-92517619-T-TTA. GRCh37 (hg19) VCF-style: chr7-92146933-T-TTA.
Other names: c.894_895dup, p.Asn299fs (NM_001282677.2); c.270_271dup, p.Asn91fs (NM_001282678.2); short protein forms N299fs, N91fs.
Identifiers: ClinVar variation 5013297 (VCV005013297.1).